The following is an entry in ClinVar:

ClinVar aggregate classification (germline): Pathogenic (1 of 4 stars; one submission).

Submission:

Athena Diagnostics
Classification: Pathogenic. Last evaluated: 2022-02-15. Review status: criteria provided, single submitter. Criteria: Athena Diagnostics Criteria. Collection method: clinical testing. Allele origin: unknown.
Comment: This variant is expected to result in the loss of a functional protein. Similar variants have not been reported in large, multi-ethnic general populations. A similar variant has been identified in at least one individual with clinical features associated with this gene.

Literature cited by the submitters: PubMed 17035675; PubMed 22203332.

Single allele

Gene: SPAST (spastin; plus strand). Cytogenetic location: 2p22.3.
Variant type: Deletion.
Identifiers: ClinVar variation 1807269 (VCV001807269.1).